The following is an entry in ClinVar:

NM_014967.5(FAN1):c.1914G>T (p.Trp638Cys)

Gene: FAN1 (FANCD2 and FANCI associated nuclease 1; plus strand). Cytogenetic location: 15q13.3.
Variant type: single nucleotide variant.
Coding change: c.1914G>T on transcript NM_014967.5 (MANE Select); coding-DNA position 1914, G replaced by T.
Protein change: p.Trp638Cys; replaces tryptophan 638 with cysteine.
Molecular consequence: missense variant.
Genome position (GRCh38, 1-based): chr15:30,918,266, G>T. VCF-style: chr15-30918266-G-T. GRCh37 (hg19) VCF-style: chr15-31210469-G-T.
Other names: short protein forms W638C.
Identifiers: ClinVar variation 1961830 (VCV001961830.5), dbSNP rs774178212, ClinGen allele CA7450438.

ClinVar aggregate classification (germline): Uncertain significance (1 of 4 stars; one submission).

Allele frequency attached by ClinVar (database versions not stated): gnomAD exomes below 0.00001; ExAC 0.00001.
gnomAD v4.1: 1 of 1,614,108 alleles (0.000062%); highest among the groups gnomAD compares: Admixed American, 0.0017%; no homozygotes.

Submission:

Labcorp Genetics (formerly Invitae), Labcorp
Classification: Uncertain significance. Last evaluated: 2024-04-05. Review status: criteria provided, single submitter. Criteria: Invitae Variant Classification Sherloc (09022015). Collection method: clinical testing. Allele origin: germline.
Comment: This sequence change replaces tryptophan, which is neutral and slightly polar, with cysteine, which is neutral and slightly polar, at codon 638 of the FAN1 protein (p.Trp638Cys). This variant is present in population databases (rs774178212, gnomAD 0.006%). This variant has not been reported in the literature in individuals affected with FAN1-related conditions. ClinVar contains an entry for this variant (Variation ID: 1961830). An algorithm developed to predict the effect of missense changes on protein structure and function (PolyPhen-2) suggests that this variant is likely to be disruptive. In summary, the available evidence is currently insufficient to determine the role of this variant in disease. Therefore, it has been classified as a Variant of Uncertain Significance.